The following is an entry in ClinVar:

NM_001110556.2(FLNA):c.234C>A (p.Ile78=)

Gene: FLNA (filamin A; minus strand). Cytogenetic location: Xq28.
Variant type: single nucleotide variant.
Coding change: c.234C>A on transcript NM_001110556.2 (MANE Select); coding-DNA position 234, C replaced by A.
Protein change: p.Ile78=; no amino-acid change (isoleucine 78 retained).
Molecular consequence: synonymous variant.
Genome position (GRCh38, 1-based): chrX:154,371,012, G>T on the plus strand (C>A on the coding strand, the complement: FLNA is on the minus strand). VCF-style: chrX-154371012-G-T. GRCh37 (hg19) VCF-style: chrX-153599380-G-T.
Other names: c.234C>A (NM_001110556.1); c.234C>A, p.Ile78= (NM_001456.4).
Identifiers: ClinVar variation 264339 (VCV000264339.8), dbSNP rs375910592, ClinGen allele CA10561455.

ClinVar aggregate classification (germline): Likely benign. Review status: criteria provided, multiple submitters, no conflicts (2 of 4 stars). 3 submissions from 3 submitters: Likely benign (2). 1 of the submissions does not count toward it. Last evaluated 2025-05-18.

Conditions:
FLNA-related disorder.
Familial thoracic aortic aneurysm and aortic dissection (TAAD). Also called: Thoracic aortic aneurysms and dissections. Identifiers: Orphanet 91387, MedGen C4707243, MONDO:0019625.
Melnick-Needles syndrome (MNS). Also called: Melnick-Needles Syndrome (FLNA-MNS); MELNICK-NEEDLES OSTEODYSPLASTY; OSTEODYSPLASTY OF MELNICK AND NEEDLES. Identifiers: Orphanet 2484, MedGen C0025237, MONDO:0010650, OMIM 309350.
Frontometaphyseal dysplasia (FMD1). Identifiers: Orphanet 1826, MedGen C0265293, MONDO:0015942.
Heterotopia, periventricular, X-linked dominant (PVNH1). Also called: X-linked periventricular heterotopia; PERIVENTRICULAR NODULAR HETEROTOPIA 4; HETEROTOPIA, PERIVENTRICULAR, 1; PERIVENTRICULAR NODULAR HETEROTOPIA 1. Identifiers: Orphanet 2149, Orphanet 82004, MedGen C1848213, MONDO:0010233, OMIM 300049.
Oto-palato-digital syndrome, type II (OPD2). Also called: Otopalatodigital Syndrome Type 2 (FLNA-OPD2); FACIOPALATOOSSEOUS SYNDROME; OPD II SYNDROME; Otopalatodigital Syndrome, Type II. Identifiers: Orphanet 669, Orphanet 90652, MedGen C1844696, MONDO:0010571, OMIM 304120.

Allele frequency attached by ClinVar (database versions not stated): gnomAD exomes below 0.00001; TOPMed 0.00002; ESP Exome Variant Server 0.00009.
gnomAD v4.1: 3 of 1,208,459 alleles (0.00025%); highest among the groups gnomAD compares: Middle Eastern, 0.069%; no homozygotes.

Submissions (3):

Labcorp Genetics (formerly Invitae), Labcorp
Classification: Likely benign for Oto-palato-digital syndrome, type II; Heterotopia, periventricular, X-linked dominant; Frontometaphyseal dysplasia; Melnick-Needles syndrome. Last evaluated: 2025-05-18. Review status: criteria provided, single submitter. Criteria: Invitae Variant Classification Sherloc (09022015). Collection method: clinical testing. Allele origin: germline.

Ambry Genetics
Classification: Likely benign for Familial thoracic aortic aneurysm and aortic dissection. Last evaluated: 2015-09-09. Review status: criteria provided, single submitter. Criteria: Ambry Variant Classification Scheme 2023. Collection method: clinical testing. Allele origin: germline.

PreventionGenetics, part of Exact Sciences
Classification: Likely benign for FLNA-related condition. Last evaluated: 2023-05-16. Review status: no assertion criteria provided. Collection method: clinical testing. Allele origin: germline. Not counted in ClinVar's aggregate classification.
Comment: This variant is classified as likely benign based on ACMG/AMP sequence variant interpretation guidelines (Richards et al. 2015 PMID: 25741868, with internal and published modifications).